The following is an entry in ClinVar:

NM_006642.5(SDCCAG8):c.798T>C (p.His266=)

Gene: SDCCAG8 (SHH signaling and ciliogenesis regulator SDCCAG8; plus strand). Cytogenetic location: 1q43.
Variant type: single nucleotide variant.
Coding change: c.798T>C on transcript NM_006642.5 (MANE Select); coding-DNA position 798, T replaced by C.
Protein change: p.His266=; no amino-acid change (histidine 266 retained).
Molecular consequence: synonymous variant. On other transcripts: 5 prime UTR variant (3).
Genome position (GRCh38, 1-based): chr1:243,308,046, T>C. VCF-style: chr1-243308046-T-C. GRCh37 (hg19) VCF-style: chr1-243471348-T-C.
Other names: c.-106T>C (NM_001350246.2, NM_001350247.2, NM_001350251.2); c.894T>C, p.His298= (NM_001350248.2); c.504T>C, p.His168= (NM_001350249.2).
Identifiers: ClinVar variation 296910 (VCV000296910.17), dbSNP rs74586093, ClinGen allele CA1483449.

ClinVar aggregate classification (germline): Benign/Likely benign. Review status: criteria provided, multiple submitters, no conflicts (2 of 4 stars). 5 submissions from 4 submitters: Benign (4); Likely benign (1). Last evaluated 2026-01-19.

Conditions:
Senior-Loken syndrome 7 (SLSN7). Identifiers: Orphanet 3156, MedGen C3150877, MONDO:0013326, OMIM 613615.
Bardet-Biedl syndrome 16 (BBS16). Identifiers: Orphanet 110, MedGen C3889474, MONDO:0014444, OMIM 615993.

Allele frequency attached by ClinVar (database versions not stated): gnomAD 0.00036 and 0.00043; gnomAD exomes 0.00039 and 0.00123; TOPMed 0.00068; ExAC 0.00121; 1000 Genomes Project 0.00160; 1000 Genomes Project 30x 0.00172.
gnomAD v4.1: 662 of 1,614,156 alleles (0.041%); highest among the groups gnomAD compares: East Asian, 1.4%; 5 homozygotes.

Submissions (5):

Labcorp Genetics (formerly Invitae), Labcorp
Classification: Benign for Bardet-Biedl syndrome 16; Senior-Loken syndrome 7. Last evaluated: 2026-01-19. Review status: criteria provided, single submitter. Criteria: Invitae Variant Classification Sherloc (09022015). Collection method: clinical testing. Allele origin: germline.

Blueprint Genetics
Classification: Likely benign. Last evaluated: 2024-07-19. Review status: criteria provided, single submitter. Criteria: ACMG Guidelines, 2015. Collection method: clinical testing. Allele origin: germline.

Illumina Laboratory Services, Illumina
Classification: Benign for Bardet-Biedl syndrome 16. Last evaluated: 2018-01-13. Review status: criteria provided, single submitter. Criteria: ICSL Variant Classification Criteria 13 December 2019. Collection method: clinical testing. Allele origin: germline.
Comment: This variant was observed in the ICSL laboratory as part of a predisposition screen in an ostensibly healthy population. It had not been previously curated by ICSL or reported in the Human Gene Mutation Database (HGMD: prior to June 1st, 2018), and was therefore a candidate for classification through an automated scoring system. Utilizing variant allele frequency, disease prevalence and penetrance estimates, and inheritance mode, an automated score was calculated to assess if this variant is too frequent to cause the disease. Based on the score and internal cut-off values, a variant classified as benign is not then subjected to further curation. The score for this variant resulted in a classification of benign for this disease.

Illumina Laboratory Services, Illumina
Classification: Benign for Senior-Loken syndrome 7. Last evaluated: 2018-01-13. Review status: criteria provided, single submitter. Criteria: ICSL Variant Classification Criteria 13 December 2019. Collection method: clinical testing. Allele origin: germline.
Comment: the same text as in the submission from Illumina Laboratory Services, Illumina above.

Breakthrough Genomics
Classification: Benign. Review status: criteria provided, single submitter. Criteria: ACMG Guidelines, 2015. Collection method: not provided. Allele origin: germline. Inheritance: Autosomal recessive inheritance. Affected: yes.